The following is an entry in ClinVar:

NM_181507.2(HPS5):c.2762T>C (p.Leu921Ser)

Gene: HPS5 (HPS5 biogenesis of lysosomal organelles complex 2 subunit 2; minus strand). Cytogenetic location: 11p15.1.
Variant type: single nucleotide variant.
Coding change: c.2762T>C on transcript NM_181507.2 (MANE Select); coding-DNA position 2762, T replaced by C.
Protein change: p.Leu921Ser; replaces leucine 921 with serine.
Molecular consequence: missense variant.
Genome position (GRCh38, 1-based): chr11:18,286,666, A>G on the plus strand (T>C on the coding strand, the complement: HPS5 is on the minus strand). VCF-style: chr11-18286666-A-G. GRCh37 (hg19) VCF-style: chr11-18308213-A-G.
Other names: c.2420T>C, p.Leu807Ser (NM_007216.4, NM_181508.2); short protein forms L807S, L921S.
Identifiers: ClinVar variation 2120602 (VCV002120602.4), dbSNP rs2494475910, ClinGen allele CA379516979.

ClinVar aggregate classification (germline): Uncertain significance (1 of 4 stars; one submission).

Submission:

Labcorp Genetics (formerly Invitae), Labcorp
Classification: Uncertain significance. Last evaluated: 2022-04-04. Review status: criteria provided, single submitter. Criteria: Invitae Variant Classification Sherloc (09022015). Collection method: clinical testing. Allele origin: germline.
Comment: This sequence change replaces leucine, which is neutral and non-polar, with serine, which is neutral and polar, at codon 921 of the HPS5 protein (p.Leu921Ser). This variant is not present in population databases (gnomAD no frequency). This variant has not been reported in the literature in individuals affected with HPS5-related conditions. Algorithms developed to predict the effect of missense changes on protein structure and function are either unavailable or do not agree on the potential impact of this missense change (SIFT: "Tolerated"; PolyPhen-2: "Probably Damaging"; Align-GVGD: "Class C0"). In summary, the available evidence is currently insufficient to determine the role of this variant in disease. Therefore, it has been classified as a Variant of Uncertain Significance.